The following is an entry in ClinVar:

ClinVar aggregate classification (germline): Benign. Review status: criteria provided, multiple submitters, no conflicts (2 of 4 stars). 2 submissions from 2 submitters: Benign (2). Last evaluated 2018-06-14.

Allele frequency attached by ClinVar (database versions not stated): 1000 Genomes Project 0.11681; 1000 Genomes Project 30x 0.12055; gnomAD 0.12445 and 0.13752; gnomAD exomes 0.13075; TOPMed 0.14035.
gnomAD v4.1: 87,463 of 657,186 alleles (13%); highest among the groups gnomAD compares: Middle Eastern, 29%; 6,613 homozygotes.

Submissions (2):

GeneDx
Classification: Benign. Last evaluated: 2018-06-14. Review status: criteria provided, single submitter. Criteria: GeneDx Variant Classification (06012015). Collection method: clinical testing. Allele origin: germline. Affected: yes.
Comment: This variant is considered likely benign or benign based on one or more of the following criteria: it is a conservative change, it occurs at a poorly conserved position in the protein, it is predicted to be benign by multiple in silico algorithms, and/or has population frequency not consistent with disease.

Breakthrough Genomics
Classification: Benign. Review status: criteria provided, single submitter. Criteria: ACMG Guidelines, 2015. Collection method: not provided. Allele origin: germline. Inheritance: Autosomal recessive inheritance. Affected: yes.

NM_198076.6(COX20):c.221+153A>C

Gene: COX20 (cytochrome c oxidase assembly factor COX20; plus strand). Cytogenetic location: 1q44.
Variant type: single nucleotide variant.
Coding change: c.221+153A>C on transcript NM_198076.6 (MANE Select); 153 bases into the intron after coding-DNA position 221, A replaced by C.
Molecular consequence: intron variant.
Genome position (GRCh38, 1-based): chr1:244,842,411, A>C. VCF-style: chr1-244842411-A-C. GRCh37 (hg19) VCF-style: chr1-245005713-A-C.
Other names: c.221+153A>C (NM_001312871.1); c.257+153A>C (NM_001312872.1); c.31+153A>C (NM_001312874.1); c.86+153A>C (NM_001312873.1).
Identifiers: ClinVar variation 683599 (VCV000683599.2), dbSNP rs12095737, ClinGen allele CA15079349.